The following is an entry in ClinVar:

NM_005228.5(EGFR):c.2581C>T (p.Leu861=)

Gene: EGFR (epidermal growth factor receptor; plus strand). Cytogenetic location: 7p11.2.
Variant type: single nucleotide variant.
Coding change: c.2581C>T on transcript NM_005228.5 (MANE Select); coding-DNA position 2581, C replaced by T.
Protein change: p.Leu861=; no amino-acid change (leucine 861 retained).
Molecular consequence: synonymous variant.
Genome position (GRCh38, 1-based): chr7:55,191,830, C>T. VCF-style: chr7-55191830-C-T. GRCh37 (hg19) VCF-style: chr7-55259523-C-T.
Other names: c.2446C>T, p.Leu816= (NM_001346897.2, NM_001346899.2); c.2581C>T, p.Leu861= (NM_001346898.2); c.2422C>T, p.Leu808= (NM_001346900.2); c.1780C>T, p.Leu594= (NM_001346941.2).
Identifiers: ClinVar variation 3773460 (VCV003773460.1).

ClinVar aggregate classification (germline): Benign (1 of 4 stars; one submission).

Conditions:
Lung cancer. Also called: Lung cancer, somatic; Malignant tumor of lung. Identifiers: MedGen C0242379, MONDO:0008903, OMIM 211980.

Submission:

Myriad Genetics, Inc.
Classification: Benign for Lung cancer. Last evaluated: 2024-10-17. Review status: criteria provided, single submitter. Criteria: Myriad Autosomal Dominant, Autosomal Recessive and X-Linked Classification Criteria (2023). Collection method: clinical testing. Allele origin: unknown.
Comment: This variant is considered benign. This variant is a silent/synonymous amino acid change and it is not expected to impact splicing.